The following is an entry in ClinVar:

NM_004366.6(CLCN2):c.2450A>G (p.His817Arg)

Gene: CLCN2 (chloride voltage-gated channel 2; minus strand). Cytogenetic location: 3q27.1.
Variant type: single nucleotide variant.
Coding change: c.2450A>G on transcript NM_004366.6 (MANE Select); coding-DNA position 2450, A replaced by G.
Protein change: p.His817Arg; replaces histidine 817 with arginine.
Molecular consequence: missense variant. On other transcripts: intron variant (1).
Genome position (GRCh38, 1-based): chr3:184,346,987, T>C on the plus strand (A>G on the coding strand, the complement: CLCN2 is on the minus strand). VCF-style: chr3-184346987-T-C. GRCh37 (hg19) VCF-style: chr3-184064775-T-C.
Other names: c.2399A>G, p.His800Arg (NM_001171087.3); c.2318A>G, p.His773Arg (NM_001171088.3); c.2416-187A>G (NM_001171089.3); short protein forms H773R, H800R, H817R.
Identifiers: ClinVar variation 2780320 (VCV002780320.4), dbSNP rs762904870, ClinGen allele CA2733680.

ClinVar aggregate classification (germline): Uncertain significance. Review status: criteria provided, multiple submitters, no conflicts (2 of 4 stars). 2 submissions from 2 submitters: Uncertain significance (2). Last evaluated 2024-11-22.

Allele frequency attached by ClinVar (database versions not stated): gnomAD exomes below 0.00001; ExAC 0.00001.
gnomAD v4.1: 5 of 1,614,080 alleles (0.00031%); highest among the groups gnomAD compares: Non-Finnish European, 0.00025%; no homozygotes.

Submissions (2):

Blueprint Genetics
Classification: Uncertain significance. Last evaluated: 2024-11-22. Review status: criteria provided, single submitter. Criteria: ACMG Guidelines, 2015. Collection method: clinical testing. Allele origin: germline.

Labcorp Genetics (formerly Invitae), Labcorp
Classification: Uncertain significance. Last evaluated: 2023-10-06. Review status: criteria provided, single submitter. Criteria: Invitae Variant Classification Sherloc (09022015). Collection method: clinical testing. Allele origin: germline.
Comment: This sequence change replaces histidine, which is basic and polar, with arginine, which is basic and polar, at codon 817 of the CLCN2 protein (p.His817Arg). This variant is present in population databases (rs762904870, gnomAD 0.02%). This variant has not been reported in the literature in individuals affected with CLCN2-related conditions. Advanced modeling of protein sequence and biophysical properties (such as structural, functional, and spatial information, amino acid conservation, physicochemical variation, residue mobility, and thermodynamic stability) performed at Invitae indicates that this missense variant is not expected to disrupt CLCN2 protein function. In summary, the available evidence is currently insufficient to determine the role of this variant in disease. Therefore, it has been classified as a Variant of Uncertain Significance.